The following is an entry in ClinVar:

ClinVar aggregate classification (germline): Uncertain significance. Review status: criteria provided, multiple submitters, no conflicts (2 of 4 stars). 2 submissions from 2 submitters: Uncertain significance (2). Last evaluated 2026-02-01.

Conditions:
Isolated focal cortical dysplasia type II (FCORD2). Also called: CORTICAL DYSPLASIA OF TAYLOR; Focal cortical dysplasia type II. Identifiers: Orphanet 268994, MedGen C1846385, MONDO:0011818, OMIM 607341, HP:0032051.

Submissions (2):

CeGaT Center for Human Genetics Tuebingen
Classification: Uncertain significance. Last evaluated: 2026-02-01. Review status: criteria provided, single submitter. Criteria: CeGaT Center For Human Genetics Tuebingen Variant Classification Criteria Version 2. Collection method: clinical testing. Allele origin: germline. Affected: yes. Observed: 1 variant allele.
Comment: TSC1: PM2, PP2

Baylor Genetics
Classification: Uncertain significance for Isolated focal cortical dysplasia type II. Last evaluated: 2022-12-16. Review status: criteria provided, single submitter. Criteria: ACMG Guidelines, 2015. Collection method: clinical testing. Allele origin: unknown.

NM_000368.5(TSC1):c.323C>T (p.Ser108Phe)

Gene: TSC1 (TSC complex subunit 1; minus strand). Cytogenetic location: 9q34.13.
Variant type: single nucleotide variant.
Coding change: c.323C>T on transcript NM_000368.5 (MANE Select); coding-DNA position 323, C replaced by T.
Protein change: p.Ser108Phe; replaces serine 108 with phenylalanine.
Molecular consequence: missense variant. On other transcripts: 5 prime UTR variant (18), non-coding transcript variant (5), intron variant (5).
Genome position (GRCh38, 1-based): chr9:132,925,627, G>A on the plus strand (C>T on the coding strand, the complement: TSC1 is on the minus strand). VCF-style: chr9-132925627-G-A. GRCh37 (hg19) VCF-style: chr9-135801014-G-A.
Other names: c.323C>T, p.Ser108Phe (NM_001162426.2, NM_001406592.1, NM_001406593.1 and 16 more transcripts); c.-41C>T (NM_001362177.2, NM_001406617.1, NM_001406618.1 and 5 more transcripts); c.-133C>T (NM_001406614.1, NM_001406616.1, NM_001406624.1); c.-166C>T (NM_001406615.1, NM_001406623.1); c.-555C>T (NM_001406626.1, NM_001406627.1, NM_001406628.1); c.-697C>T (NM_001406629.1); c.-771C>T (NM_001406630.1); c.210+1574C>T (NM_001406613.1, NM_001406612.1, NM_001406610.1 and 2 more transcripts); short protein forms S108F.
Identifiers: ClinVar variation 2679319 (VCV002679319.5), dbSNP rs1846811712, ClinGen allele CA375374432.
Genomic context (GRCh38, chr9:132,925,627, plus strand): 5'-AATCCTTACAAACATCCTACCTTGAGACATTTTAGTAAAGAAGGCAAAAGAGGTGCTTGA[G>A]AGAGCTTATGCTTCCAAGATGGCTGCAGTCTTATGACATGACCCAGTAACGAGAGGATGG-3'
Protein context (NP_000359.1, residues 98-118): RLQPSWKHKL[Ser108Phe]QAPLLPSLLK